The following is an entry in ClinVar:

NM_001346810.2(DLGAP2):c.1985A>C (p.Asn662Thr)

Gene: DLGAP2 (DLG associated protein 2; plus strand). Cytogenetic location: 8p23.3.
Variant type: single nucleotide variant.
Coding change: c.1985A>C on transcript NM_001346810.2 (MANE Select); coding-DNA position 1985, A replaced by C.
Protein change: p.Asn662Thr; replaces asparagine 662 with threonine.
Molecular consequence: missense variant.
Genome position (GRCh38, 1-based): chr8:1,668,503, A>C. VCF-style: chr8-1668503-A-C. GRCh37 (hg19) VCF-style: chr8-1616669-A-C.
Other names: short protein forms N662T.
Identifiers: ClinVar variation 3353678 (VCV003353678.1).

ClinVar aggregate classification (germline): Uncertain significance (0 of 4 stars; one submission).

Conditions:
DLGAP2-related disorder. Also called: DLGAP2-related condition.

gnomAD v4.1: 3 of 1,592,374 alleles (0.00019%); no homozygotes.

Submission:

PreventionGenetics, part of Exact Sciences
Classification: Uncertain significance for DLGAP2-related condition. Last evaluated: 2024-08-28. Review status: no assertion criteria provided. Collection method: clinical testing. Allele origin: germline.
Comment: The DLGAP2 c.1985A>C variant is predicted to result in the amino acid substitution p.Asn662Thr. To our knowledge, this variant has not been reported in the literature or in a large population database, indicating this variant is rare. At this time, the clinical significance of this variant is uncertain due to the absence of conclusive functional and genetic evidence.